The following is an entry in ClinVar:

ClinVar aggregate classification (germline): Conflicting classifications of pathogenicity. Review status: criteria provided, conflicting classifications (1 of 4 stars). 5 submissions from 5 submitters: Uncertain significance (3); Likely benign (2). Last evaluated 2026-06-04.

Conditions:
Inborn genetic diseases. Identifiers: MedGen C0950123, MeSH D030342.
PLEC-related disorder. Also called: PLEC-related condition; PLEC-related disorders.
Epidermolysis bullosa simplex 5C, with pyloric atresia (EBS5C). Also called: PLEC-Related Epidermolysis Bullosa with Pyloric Atresia; Epidermolysis bullosa simplex with pyloric atresia; PLEC1-Related Epidermolysis Bullosa with Pyloric Atresia. Identifiers: Orphanet 158684, MedGen C2677349, MONDO:0012807, OMIM 612138.
Epidermolysis bullosa simplex 5B, with muscular dystrophy (EBS5B). Also called: EPIDERMOLYSIS BULLOSA SIMPLEX AND LIMB-GIRDLE MUSCULAR DYSTROPHY; Epidermolysis bullosa simplex with muscular dystrophy. Identifiers: Orphanet 257, MedGen C2931072, MONDO:0009181, OMIM 226670.
Epidermolysis bullosa simplex with nail dystrophy (EBS5D). Identifiers: MedGen C4225309, MONDO:0014661, OMIM 616487.
Epidermolysis bullosa simplex, Ogna type (EBS5A). Also called: Pidermolysis bullosa simplex 5A, Ogna type; EPIDERMOLYSIS BULLOSA SIMPLEX 5A, OGNA TYPE. Identifiers: Orphanet 79401, MedGen C0432317, MONDO:0007555, OMIM 131950.
Autosomal recessive limb-girdle muscular dystrophy type 2Q (LGMDR17). Also called: MUSCULAR DYSTROPHY, LIMB-GIRDLE, AUTOSOMAL RECESSIVE 17. Identifiers: Orphanet 254361, MedGen C3150989, MONDO:0013390, OMIM 613723.

Allele frequency attached by ClinVar (database versions not stated): gnomAD exomes 0.00006 and 0.00013; gnomAD 0.00010 and 0.00011; TOPMed 0.00010; ExAC 0.00013; ESP Exome Variant Server 0.00039.
gnomAD v4.1: 103 of 1,613,010 alleles (0.0064%); highest among the groups gnomAD compares: South Asian, 0.0022%; no homozygotes.

Submissions (5):

PreventionGenetics, part of Exact Sciences
Classification: Likely benign for PLEC-related condition. Last evaluated: 2026-06-04. Review status: criteria provided, single submitter. Criteria: ACMG Guidelines, 2015. Collection method: clinical testing. Allele origin: germline.
Comment: This variant is classified as likely benign based on ACMG/AMP sequence variant interpretation guidelines (Richards et al. 2015 PMID: 25741868, with internal and published modifications).

Labcorp Genetics (formerly Invitae), Labcorp
Classification: Uncertain significance for Autosomal recessive limb-girdle muscular dystrophy type 2Q; Epidermolysis bullosa simplex, Ogna type; Epidermolysis bullosa simplex with nail dystrophy; Epidermolysis bullosa simplex 5C, with pyloric atresia; Epidermolysis bullosa simplex 5B, with muscular dystrophy. Last evaluated: 2025-12-19. Review status: criteria provided, single submitter. Criteria: Invitae Variant Classification Sherloc (09022015). Collection method: clinical testing. Allele origin: germline.
Comment: This sequence change replaces valine, which is neutral and non-polar, with isoleucine, which is neutral and non-polar, at codon 4363 of the PLEC protein (p.Val4363Ile). The frequency data for this variant in the population databases is considered unreliable, as metrics indicate poor data quality at this position in the gnomAD database. This variant has not been reported in the literature in individuals affected with PLEC-related conditions. ClinVar contains an entry for this variant (Variation ID: 805209). Invitae Evidence Modeling of protein sequence and biophysical properties (such as structural, functional, and spatial information, amino acid conservation, physicochemical variation, residue mobility, and thermodynamic stability) indicates that this missense variant is not expected to disrupt PLEC protein function with a negative predictive value of 80%. In summary, the available evidence is currently insufficient to determine the role of this variant in disease. Therefore, it has been classified as a Variant of Uncertain Significance.

Ambry Genetics
Classification: Uncertain significance for Inborn genetic diseases. Last evaluated: 2021-08-02. Review status: criteria provided, single submitter. Criteria: Ambry Variant Classification Scheme 2023. Collection method: clinical testing. Allele origin: germline.

Revvity Omics, Revvity
Classification: Uncertain significance. Last evaluated: 2019-10-01. Review status: criteria provided, single submitter. Criteria: ACMG Guidelines, 2015. Collection method: clinical testing. Allele origin: germline.

Athena Diagnostics
Classification: Likely benign. Last evaluated: 2018-11-26. Review status: criteria provided, single submitter. Criteria: Athena Diagnostics Criteria. Collection method: clinical testing. Allele origin: germline.

NM_201384.3(PLEC):c.13006G>A (p.Val4336Ile)

Gene: PLEC (plectin; minus strand). Cytogenetic location: 8q24.3.
Variant type: single nucleotide variant.
Coding change: c.13006G>A on transcript NM_201384.3 (MANE Select); coding-DNA position 13006, G replaced by A.
Protein change: p.Val4336Ile; replaces valine 4336 with isoleucine.
Molecular consequence: missense variant.
Genome position (GRCh38, 1-based): chr8:143,916,815, C>T on the plus strand (G>A on the coding strand, the complement: PLEC is on the minus strand). VCF-style: chr8-143916815-C-T. GRCh37 (hg19) VCF-style: chr8-144990983-C-T.
Other names: c.13087G>A (NM_000445.4); c.13087G>A, p.Val4363Ile (NM_000445.5); c.12964G>A, p.Val4322Ile (NM_201378.4); c.12940G>A, p.Val4314Ile (NM_201379.3); c.13417G>A, p.Val4473Ile (NM_201380.4); c.12910G>A, p.Val4304Ile (NM_201381.3); c.13006G>A, p.Val4336Ile (NM_201382.4); c.13018G>A, p.Val4340Ile (NM_201383.3); short protein forms V4336I, V4314I, V4473I, V4304I, V4322I, V4340I, V4363I.
Identifiers: ClinVar variation 805209 (VCV000805209.14), dbSNP rs201163149, ClinGen allele CA4923924.
Genomic context (GRCh38, chr8:143,916,815, plus strand): 5'-AGGCCTTCTGGGCCAGGTTGATGCGGTCCACCATGATCTTGTCCACCAGGCCCTTGTTGA[C>T]GGCGTCGGTGACAGGGAAGCGCTCACCGGTGCTGGGGTCGATGATGCCCCCGGTGCAGGC-3'
Protein context (NP_958786.1, residues 4326-4346): TGERFPVTDA[Val4336Ile]NKGLVDKIMV